The following is an entry in ClinVar:

ClinVar aggregate classification (germline): Uncertain significance (1 of 4 stars; one submission).

gnomAD v4.1: 47 of 1,612,340 alleles (0.0029%); highest among the groups gnomAD compares: Non-Finnish European, 0.004%; no homozygotes.

Submission:

Labcorp Genetics (formerly Invitae), Labcorp
Classification: Uncertain significance. Last evaluated: 2022-06-23. Review status: criteria provided, single submitter. Criteria: Invitae Variant Classification Sherloc (09022015). Collection method: clinical testing. Allele origin: germline.
Comment: This sequence change replaces glutamic acid, which is acidic and polar, with glycine, which is neutral and non-polar, at codon 344 of the SBF1 protein (p.Glu344Gly). This variant is present in population databases (rs368521040, gnomAD 0.004%). This variant has not been reported in the literature in individuals affected with SBF1-related conditions. Algorithms developed to predict the effect of missense changes on protein structure and function are either unavailable or do not agree on the potential impact of this missense change (SIFT: "Tolerated"; PolyPhen-2: "Possibly Damaging"; Align-GVGD: "Class C0"). In summary, the available evidence is currently insufficient to determine the role of this variant in disease. Therefore, it has been classified as a Variant of Uncertain Significance.

NM_002972.4(SBF1):c.1031A>G (p.Glu344Gly)

Gene: SBF1 (SET binding factor 1; minus strand). Cytogenetic location: 22q13.33.
Variant type: single nucleotide variant.
Coding change: c.1031A>G on transcript NM_002972.4 (MANE Select); coding-DNA position 1031, A replaced by G.
Protein change: p.Glu344Gly; replaces glutamic acid 344 with glycine.
Molecular consequence: missense variant.
Genome position (GRCh38, 1-based): chr22:50,465,821, T>C on the plus strand (A>G on the coding strand, the complement: SBF1 is on the minus strand). VCF-style: chr22-50465821-T-C. GRCh37 (hg19) VCF-style: chr22-50904250-T-C.
Other names: c.1034A>G, p.Glu345Gly (NM_001365819.1); short protein forms E344G, E345G.
Identifiers: ClinVar variation 1442386 (VCV001442386.5), dbSNP rs368521040, ClinGen allele CA10317865.